The following is an entry in ClinVar:

ClinVar aggregate classification (germline): Uncertain significance (0 of 4 stars; one submission).

Conditions:
SMARCA2-related disorder. Also called: SMARCA2-related condition.

Allele frequency attached by ClinVar (database versions not stated): TOPMed below 0.00001; gnomAD 0.00001.

Submission:

PreventionGenetics, part of Exact Sciences
Classification: Uncertain significance for SMARCA2-related condition. Last evaluated: 2024-01-27. Review status: no assertion criteria provided. Collection method: clinical testing. Allele origin: germline.
Comment: The SMARCA2 c.1776C>A variant is predicted to result in the amino acid substitution p.Asp592Glu. To our knowledge, this variant has not been reported in the literature or in a large population database, indicating this variant is rare. At this time, the clinical significance of this variant is uncertain due to the absence of conclusive functional and genetic evidence.

NM_003070.5(SMARCA2):c.1776C>A (p.Asp592Glu)

Gene: SMARCA2 (SWI/SNF related BAF chromatin remodeling complex subunit ATPase 2; plus strand). Cytogenetic location: 9p24.3.
Variant type: single nucleotide variant.
Coding change: c.1776C>A on transcript NM_003070.5 (MANE Select); coding-DNA position 1776, C replaced by A.
Protein change: p.Asp592Glu; replaces aspartic acid 592 with glutamic acid.
Molecular consequence: missense variant.
Genome position (GRCh38, 1-based): chr9:2,073,241, C>A. VCF-style: chr9-2073241-C-A. GRCh37 (hg19) VCF-style: chr9-2073241-C-A.
Other names: c.1776C>A, p.Asp592Glu (NM_001289396.2, NM_001289397.2, NM_139045.4); short protein forms D592E.
Identifiers: ClinVar variation 3061324 (VCV003061324.2), dbSNP rs1160241178, ClinGen allele CA372782980.